The following is an entry in ClinVar:

NM_201253.3(CRB1):c.358C>T (p.Gln120Ter)

Gene: CRB1 (crumbs cell polarity complex component 1; plus strand). Cytogenetic location: 1q31.3.
Variant type: single nucleotide variant.
Coding change: c.358C>T on transcript NM_201253.3 (MANE Select); coding-DNA position 358, C replaced by T.
Protein change: p.Gln120Ter; replaces glutamine 120 with a stop codon.
Molecular consequence: nonsense. On other transcripts: non-coding transcript variant (2).
Genome position (GRCh38, 1-based): chr1:197,328,709, C>T. VCF-style: chr1-197328709-C-T. GRCh37 (hg19) VCF-style: chr1-197297839-C-T.
Other names: c.358C>T, p.Gln120Ter (NM_001193640.2, NM_001257966.2); c.151C>T, p.Gln51Ter (NM_001257965.2); c.358C>T (NM_201253.2); short protein forms Q120*, Q51*.
Identifiers: ClinVar variation 1439954 (VCV001439954.12), dbSNP rs1658671768, ClinGen allele CA344085592.

ClinVar aggregate classification (germline): Pathogenic/Likely pathogenic. Review status: criteria provided, multiple submitters, no conflicts (2 of 4 stars). 5 submissions from 5 submitters: Pathogenic (3); Likely pathogenic (2). Last evaluated 2024-04-11.

Conditions:
CRB1-related disorder. Also called: CRB1-related disorders; CRB1-related condition.
Leber congenital amaurosis (LCA). Also called: Leber's amaurosis. Identifiers: Orphanet 65, MedGen C0339527, MeSH D057130, MONDO:0018998.
Leber congenital amaurosis 8 (LCA8). Identifiers: Orphanet 65, MedGen C3151202, MONDO:0013453, OMIM 613835.
Retinitis pigmentosa 12 (RP12). Also called: RP WITH OR WITHOUT PRESERVED PARAARTERIOLE RETINAL PIGMENT EPITHELIUM; RETINITIS PIGMENTOSA WITH OR WITHOUT PARAARTERIOLAR PRESERVATION OF RETINAL PIGMENT EPITHELIUM; RP WITH OR WITHOUT PPRPE. Identifiers: Orphanet 791, MedGen C1838647, MONDO:0010818, OMIM 600105.
Pigmented paravenous retinochoroidal atrophy. Identifiers: Orphanet 251295, MedGen C1868310, MONDO:0008246, OMIM 172870.

Submissions (5):

Natera, Inc.
Classification: Pathogenic for Leber congenital amaurosis. Last evaluated: 2024-04-11. Review status: criteria provided, single submitter. Criteria: Natera Variant Classification Schema (03/2026). Collection method: clinical testing. Allele origin: germline.
Comment: The c.358C>T variant in CRB1 is a nonsense variant predicted to introduce a stop codon at amino acid 120. This variant is expected to result in nonsense mediated decay, truncation, or a dysfunctional protein product. This variant is rare in the general population with a frequency below the threshold expected for the associated phenotype(s). This variant has been observed in one or more individuals affected with the associated recessive disease, as either homozygous or compound heterozygous with a second variant (PMID: 17724218, 20079931). Given the available evidence, this variant is classified as Pathogenic.

Fulgent Genetics
Classification: Likely pathogenic for Pigmented paravenous retinochoroidal atrophy; Retinitis pigmentosa 12; Leber congenital amaurosis 8. Last evaluated: 2024-03-09. Review status: criteria provided, single submitter. Criteria: ACMG Guidelines, 2015. Collection method: clinical testing. Allele origin: germline.

Labcorp Genetics (formerly Invitae), Labcorp
Classification: Pathogenic for Leber congenital amaurosis 8; Retinitis pigmentosa 12. Last evaluated: 2023-12-01. Review status: criteria provided, single submitter. Criteria: Invitae Variant Classification Sherloc (09022015). Collection method: clinical testing. Allele origin: germline.
Comment: This sequence change creates a premature translational stop signal (p.Gln120*) in the CRB1 gene. It is expected to result in an absent or disrupted protein product. Loss-of-function variants in CRB1 are known to be pathogenic (PMID: 10508521, 22065545, 23379534, 25412400, 26957898, 28041643, 29391521). This variant is not present in population databases (gnomAD no frequency). This premature translational stop signal has been observed in individual(s) with CRB1-related conditions (PMID: 17724218). ClinVar contains an entry for this variant (Variation ID: 1439954). For these reasons, this variant has been classified as Pathogenic.

Blueprint Genetics
Classification: Likely pathogenic for CRB1-related disorders. Last evaluated: 2022-09-06. Review status: criteria provided, single submitter. Criteria: ACMG Guidelines, 2015. Collection method: clinical testing. Allele origin: germline. Affected: yes. Observed: 1 variant allele.

Baylor Genetics
Classification: Pathogenic for Leber congenital amaurosis 8. Last evaluated: 2022-07-12. Review status: criteria provided, single submitter. Criteria: ACMG Guidelines, 2015. Collection method: clinical testing. Allele origin: unknown.

Literature cited by the submitters: PubMed 17724218 (cited by Natera, Inc. and Labcorp Genetics (formerly Invitae), Labcorp); PubMed 20079931 (cited by Natera, Inc.); PubMed 10508521 (cited by Labcorp Genetics (formerly Invitae), Labcorp); PubMed 22065545 (cited by Labcorp Genetics (formerly Invitae), Labcorp); PubMed 23379534 (cited by Labcorp Genetics (formerly Invitae), Labcorp); PubMed 25412400 (cited by Labcorp Genetics (formerly Invitae), Labcorp); PubMed 26957898 (cited by Labcorp Genetics (formerly Invitae), Labcorp); PubMed 28041643 (cited by Labcorp Genetics (formerly Invitae), Labcorp); PubMed 29391521 (cited by Labcorp Genetics (formerly Invitae), Labcorp).